The following is an entry in ClinVar:

ClinVar aggregate classification (germline): Pathogenic (1 of 4 stars; one submission).

Conditions:
Familial adenomatous polyposis 1 (FAP1). Also called: POLYPOSIS, ADENOMATOUS INTESTINAL; FAMILIAL ADENOMATOUS POLYPOSIS 1, ATTENUATED. Identifiers: MedGen C2713442, MONDO:0021056, OMIM 175100. Disease mechanism: loss of function.

Submission:

Labcorp Genetics (formerly Invitae), Labcorp
Classification: Pathogenic for Familial adenomatous polyposis 1. Last evaluated: 2022-06-07. Review status: criteria provided, single submitter. Criteria: Invitae Variant Classification Sherloc (09022015). Collection method: clinical testing. Allele origin: germline.
Comment: This sequence change creates a premature translational stop signal (p.Glu201*) in the APC gene. It is expected to result in an absent or disrupted protein product. Loss-of-function variants in APC are known to be pathogenic (PMID: 17963004, 20685668). This variant is not present in population databases (gnomAD no frequency). This variant has not been reported in the literature in individuals affected with APC-related conditions. For these reasons, this variant has been classified as Pathogenic.

Literature cited by the submitters: PubMed 17963004; PubMed 20685668.

NM_000038.6(APC):c.601G>T (p.Glu201Ter)

Gene: APC (APC regulator of Wnt signaling pathway; plus strand). Cytogenetic location: 5q22.2.
Variant type: single nucleotide variant.
Coding change: c.601G>T on transcript NM_000038.6 (MANE Select); coding-DNA position 601, G replaced by T.
Protein change: p.Glu201Ter; replaces glutamic acid 201 with a stop codon.
Molecular consequence: nonsense. On other transcripts: 5 prime UTR variant (1).
Genome position (GRCh38, 1-based): chr5:112,780,859, G>T. VCF-style: chr5-112780859-G-T. GRCh37 (hg19) VCF-style: chr5-112116556-G-T.
Other names: c.601G>T, p.Glu201Ter (NM_001407457.1, NM_001407458.1, NM_001407459.1 and 16 more transcripts); c.-435G>T (NM_001407470.1, NM_001407471.1, NM_001407472.1 and 1 more transcripts); c.631G>T, p.Glu211Ter (NM_001127511.3, NM_001354897.2, NM_001354902.2 and 1 more transcripts); c.526G>T, p.Glu176Ter (NM_001354898.2, NM_001354904.2, NM_001407451.1); c.424G>T, p.Glu142Ter (NM_001354900.2, NM_001354901.2, NM_001354905.2 and 1 more transcripts); short protein forms E201*, E211*, E176*, E142*.
Identifiers: ClinVar variation 2135762 (VCV002135762.4), dbSNP rs2149640280, ClinGen allele CA16022652.